The following is an entry in ClinVar:

ClinVar aggregate classification (germline): Pathogenic (1 of 4 stars; one submission).

Submission:

Labcorp Genetics (formerly Invitae), Labcorp
Classification: Pathogenic. Last evaluated: 2024-02-19. Review status: criteria provided, single submitter. Criteria: Invitae Variant Classification Sherloc (09022015). Collection method: clinical testing. Allele origin: germline.
Comment: This sequence change creates a premature translational stop signal (p.Ala165Glyfs*11) in the NPHS1 gene. It is expected to result in an absent or disrupted protein product. Loss-of-function variants in NPHS1 are known to be pathogenic (PMID: 11317351, 11854170, 12039988). This variant is not present in population databases (gnomAD no frequency). This variant has not been reported in the literature in individuals affected with NPHS1-related conditions. For these reasons, this variant has been classified as Pathogenic.

Literature cited by the submitters: PubMed 11317351; PubMed 11854170; PubMed 12039988.

NM_004646.4(NPHS1):c.494del (p.Ala165fs)

Gene: NPHS1 (NPHS1 adhesion molecule, nephrin; minus strand). Cytogenetic location: 19q13.12.
Variant type: Deletion.
Coding change: c.494del on transcript NM_004646.4 (MANE Select); coding-DNA position 494, one base deleted (C; older notation c.494delC).
Protein change: p.Ala165fs; shifts the reading frame from alanine 165.
Molecular consequence: frameshift variant.
Genome position (GRCh38, 1-based): chr19:35,850,993, G deleted on the plus strand (C on the coding strand, the reverse complement: NPHS1 is on the minus strand). VCF-style (leftmost placement, unchanged base first): chr19-35850992-CG-C. GRCh37 (hg19) VCF-style: chr19-36341894-CG-C.
Other names: short protein forms A165fs.
Identifiers: ClinVar variation 3631261 (VCV003631261.2).
Genomic context (GRCh38, chr19:35,850,992, plus strand): 5'-CCCCTGCCACCCAGTTCACCCACACTCACTCAGGAGAATGGTGATGTCAGGTGCTGGCTT[CG>C]CGTCCCCAGACACACAGTTGACCACGTACTCCTGCCCAGCTACCCAGGTGACCATGGTGC-3'